The following is an entry in ClinVar:

NM_000089.4(COL1A2):c.3565G>A (p.Asp1189Asn)

Gene: COL1A2 (collagen type I alpha 2 chain; plus strand). Cytogenetic location: 7q21.3.
Variant type: single nucleotide variant.
Coding change: c.3565G>A on transcript NM_000089.4 (MANE Select); coding-DNA position 3565, G replaced by A.
Protein change: p.Asp1189Asn; replaces aspartic acid 1189 with asparagine.
Molecular consequence: missense variant.
Genome position (GRCh38, 1-based): chr7:94,428,331, G>A. VCF-style: chr7-94428331-G-A. GRCh37 (hg19) VCF-style: chr7-94057643-G-A.
Other names: short protein forms D1189N.
Identifiers: ClinVar variation 2937393 (VCV002937393.3), dbSNP rs1250898393, ClinGen allele CA368226255.
Genomic context (GRCh38, chr7:94,428,331, plus strand): 5'-CTGAATGTTATTTTCTTAAAAGGTTACTACTGGATTGACCCTAACCAAGGATGCACTATG[G>A]ATGCTATCAAAGTATACTGTGATTTCTCTACTGGCGAAACCTGTATCCGGGCCCAACCTG-3'
Protein context (NP_000080.2, residues 1179-1199): WIDPNQGCTM[Asp1189Asn]AIKVYCDFST

ClinVar aggregate classification (germline): Uncertain significance (1 of 4 stars; one submission).

Conditions:
Osteogenesis imperfecta type I (OI1). Also called: Lobstein disease; OI, TYPE I; OSTEOGENESIS IMPERFECTA TARDA; OSTEOGENESIS IMPERFECTA WITH BLUE SCLERAE; Osteogenesis imperfecta type 1; Lobstein's Disease. Identifiers: Orphanet 216796, Orphanet 666, MedGen C0023931, MONDO:0008146, OMIM 166200. Disease mechanism: loss of function.
Ehlers-Danlos syndrome, classic type, 1 (EDSCL1). Also called: EDS I; EHLERS-DANLOS SYNDROME, GRAVIS TYPE; EHLERS-DANLOS SYNDROME, SEVERE CLASSIC TYPE; Ehlers-Danlos syndrome, type 1; Ehlers-Danlos Syndrome, Classic Type, COL5A1-Related. Identifiers: MedGen C0268335, MONDO:0019567, OMIM 130000.

Allele frequency attached by ClinVar (database versions not stated): TOPMed 0.00002; gnomAD exomes below 0.00001; gnomAD 0.00002.
gnomAD v4.1: 7 of 1,613,912 alleles (0.00043%); highest among the groups gnomAD compares: Non-Finnish European, 0.00059%; no homozygotes.

Submission:

Labcorp Genetics (formerly Invitae), Labcorp
Classification: Uncertain significance for Osteogenesis imperfecta type I; Ehlers-Danlos syndrome, classic type, 1. Last evaluated: 2024-07-12. Review status: criteria provided, single submitter. Criteria: Invitae Variant Classification Sherloc (09022015). Collection method: clinical testing. Allele origin: germline.
Comment: This sequence change replaces aspartic acid, which is acidic and polar, with asparagine, which is neutral and polar, at codon 1189 of the COL1A2 protein (p.Asp1189Asn). This variant is present in population databases (no rsID available, gnomAD 0.0009%). This variant has not been reported in the literature in individuals affected with COL1A2-related conditions. Advanced modeling of protein sequence and biophysical properties (such as structural, functional, and spatial information, amino acid conservation, physicochemical variation, residue mobility, and thermodynamic stability) performed at Invitae indicates that this missense variant is expected to disrupt COL1A2 protein function with a positive predictive value of 80%. In summary, the available evidence is currently insufficient to determine the role of this variant in disease. Therefore, it has been classified as a Variant of Uncertain Significance.